The following is an entry in ClinVar:

ClinVar aggregate classification (germline): Likely benign. Review status: criteria provided, single submitter (1 of 4 stars). 2 submissions from 2 submitters: Likely benign (1). 1 of the submissions does not count toward it. Last evaluated 2018-07-27.

Conditions:
ACACB-related disorder. Also called: ACACB-related condition.

Allele frequency attached by ClinVar (database versions not stated): gnomAD 0.00041 and 0.00042; ExAC 0.00051; gnomAD exomes 0.00054 and 0.00044; ESP Exome Variant Server 0.00077; TOPMed 0.00041.
gnomAD v4.1: 863 of 1,613,532 alleles (0.053%); highest among the groups gnomAD compares: Non-Finnish European, 0.064%; 2 homozygotes.

Submissions (2):

Labcorp Genetics (formerly Invitae), Labcorp
Classification: Likely benign. Last evaluated: 2018-07-27. Review status: criteria provided, single submitter. Criteria: Invitae Variant Classification Sherloc (09022015). Collection method: clinical testing. Allele origin: germline.

PreventionGenetics, part of Exact Sciences
Classification: Likely benign for ACACB-related condition. Last evaluated: 2019-06-12. Review status: no assertion criteria provided. Collection method: clinical testing. Allele origin: germline. Not counted in ClinVar's aggregate classification.
Comment: This variant is classified as likely benign based on ACMG/AMP sequence variant interpretation guidelines (Richards et al. 2015 PMID: 25741868, with internal and published modifications).

NM_001093.4(ACACB):c.2037C>T (p.Asn679=)

Gene: ACACB (acetyl-CoA carboxylase beta; plus strand). Cytogenetic location: 12q24.11.
Variant type: single nucleotide variant.
Coding change: c.2037C>T on transcript NM_001093.4 (MANE Select); coding-DNA position 2037, C replaced by T.
Protein change: p.Asn679=; no amino-acid change (asparagine 679 retained).
Molecular consequence: synonymous variant.
Genome position (GRCh38, 1-based): chr12:109,188,055, C>T. VCF-style: chr12-109188055-C-T. GRCh37 (hg19) VCF-style: chr12-109625860-C-T.
Identifiers: ClinVar variation 721761 (VCV000721761.5), dbSNP rs150499254, ClinGen allele CA6773469.
Genomic context (GRCh38, chr12:109,188,055, plus strand): 5'-CCAGGGTTTTAAGCCGAGCTCCGGGACTGTCCAGGAACTGAATTTCCGGAGCAGCAAGAA[C>T]GTGTGGGGTTACTTCAGCGTGGCCGCTACTGGAGGCCTGCACGAGTTTGCGGATTCCCAA-3'
Protein context (NP_001084.3, residues 669-689): VQELNFRSSK[Asn679=]VWGYFSVAAT